The following is an entry in ClinVar:

ClinVar aggregate classification (germline): Uncertain significance. Review status: criteria provided, multiple submitters, no conflicts (2 of 4 stars). 2 submissions from 2 submitters: Uncertain significance (2). Last evaluated 2025-12-31.

Conditions:
Van Maldergem syndrome 1 (VMLDS1). Also called: Van Maldergem syndrome 1 (VMLDS1). Identifiers: Orphanet 314679, MedGen C4551950, MONDO:0011070, OMIM 601390.

gnomAD v4.1: 5 of 1,613,870 alleles (0.00031%); highest among the groups gnomAD compares: Non-Finnish European, 0.00042%; no homozygotes.

Submissions (2):

Clinical Genomics Laboratory, Washington University in St. Louis
Classification: Uncertain significance for Van Maldergem syndrome 1. Last evaluated: 2025-12-31. Review status: criteria provided, single submitter. Criteria: ACMG Guidelines, 2015. Collection method: clinical testing. Allele origin: germline.
Comment: A DCHS1 c.3686G>T (p.Arg1229Leu) variant was identified at a near heterozygous allelic fraction of 49.2%, a frequency which may be consistent with it being of germline origin. This variant, to our knowledge, has not been reported in the medical literature but has been reported in the ClinVar database as a variant of uncertain significance by one submitter (ClinVar Variation ID: 3610263). It is only observed in 5/1,613,870 alleles in the general population (gnomAD v4.1.0), indicating it is not a common variant. Computational predictors suggest that the variant does not impact DCHS1 function. Due to limited information, and based on ACMG/AMP guidelines for variant interpretation (Richards S et al., PMID: 25741868), the clinical significance of this variant is uncertain at this time.

Labcorp Genetics (formerly Invitae), Labcorp
Classification: Uncertain significance. Last evaluated: 2024-08-11. Review status: criteria provided, single submitter. Criteria: Invitae Variant Classification Sherloc (09022015). Collection method: clinical testing. Allele origin: germline.
Comment: This sequence change replaces arginine, which is basic and polar, with leucine, which is neutral and non-polar, at codon 1229 of the DCHS1 protein (p.Arg1229Leu). This variant is present in population databases (no rsID available, gnomAD 0.007%). This variant has not been reported in the literature in individuals affected with DCHS1-related conditions. Advanced modeling of protein sequence and biophysical properties (such as structural, functional, and spatial information, amino acid conservation, physicochemical variation, residue mobility, and thermodynamic stability) performed at Invitae indicates that this missense variant is not expected to disrupt DCHS1 protein function with a negative predictive value of 80%. In summary, the available evidence is currently insufficient to determine the role of this variant in disease. Therefore, it has been classified as a Variant of Uncertain Significance.

NM_003737.4(DCHS1):c.3686G>T (p.Arg1229Leu)

Gene: DCHS1 (dachsous cadherin-related 1; minus strand). Cytogenetic location: 11p15.4.
Variant type: single nucleotide variant.
Coding change: c.3686G>T on transcript NM_003737.4 (MANE Select); coding-DNA position 3686, G replaced by T.
Protein change: p.Arg1229Leu; replaces arginine 1229 with leucine.
Molecular consequence: missense variant.
Genome position (GRCh38, 1-based): chr11:6,631,397, C>A on the plus strand (G>T on the coding strand, the complement: DCHS1 is on the minus strand). VCF-style: chr11-6631397-C-A. GRCh37 (hg19) VCF-style: chr11-6652628-C-A.
Other names: short protein forms R1229L.
Identifiers: ClinVar variation 3610263 (VCV003610263.3).
Genomic context (GRCh38, chr11:6,631,397, plus strand): 5'-TTCTCCCCCTCATCTGGATCCTTCGCCTGCAGAGTCGTCACCAGTGTTCCCGGAGGCACG[C>A]GGTCTGGTACCTGTGGGAACACAACTCACCTAGTGAGTCTCTTTCCTGTTCTTCAGACAA-3'
Protein context (NP_003728.1, residues 1219-1239): GGGLPIQVPD[Arg1229Leu]VPPGTLVTTL